The following is an entry in ClinVar:

NM_004006.3(DMD):c.8598_8599insTTTTTTTTTTTTTTTTTTTTNNNNNNNNNNCGCCCGCCACCGCGCCCGGCTAATTTTTTGTATTTTTAGTAGAGACGGGGTTTCACCTTGTTATCCAGGATGGTCTCGATCTCCTGAACAATCATGAGTACTCTT (p.Glu2867delinsPhePhePhePhePhePheXaaXaaXaaXaaArgProProProArgProAlaAsnPheLeuTyrPheTer)

Gene: DMD (dystrophin; minus strand). Cytogenetic location: Xp21.2.
Variant type: Insertion.
Coding change: c.8598_8599insTTTTTTTTTTTTTTTTTTTTNNNNNNNNNNCGCCCGCCACCGCGCCCGGCTAATTTTTTGTATTTTTAGTAGAGACGGGGTTTCACCTTGTTATCCAGGATGGTCTCGATCTCCTGAACAATCATGAGTACTCTT on transcript NM_004006.3 (MANE Select); coding-DNA positions 8598 to 8599, TTTTTTTTTTTTTTTTTTTTNNNNNNNNNNCGCCCGCCACCGCGCCCGGCTAATTTTTTGTATTTTTAGTAGAGACGGGGTTTCACCTTGTTATCCAGGATGGTCTCGATCTCCTGAACAATCATGAGTACTCTT inserted.
Protein change: p.Glu2867delinsPhePhePhePhePhePheXaaXaaXaaXaaArgProProProArgProAlaAsnPheLeuTyrPheTer.
Molecular consequence: nonsense.
Genome position: GRCh38: chrX:31,479,068-31,479,069. GRCh37 (hg19): chrX:31,497,185-31,497,186.
Other names: c.8574_8575insTTTTTTTTTTTTTTTTTTTTNNNNNNNNNNCGCCCGCCACCGCGCCCGGCTAATTTTTTGTATTTTTAGTAGAGACGGGGTTTCACCTTGTTATCCAGGATGGTCTCGATCTCCTGAACAATCATGAGTACTCTT, p.Glu2859delinsPhePhePhePhePhePheXaaXaaXaaXaaArgProProProArgProAlaAsnPheLeuTyrPheTer (NM_000109.4); c.8586_8587insTTTTTTTTTTTTTTTTTTTTNNNNNNNNNNCGCCCGCCACCGCGCCCGGCTAATTTTTTGTATTTTTAGTAGAGACGGGGTTTCACCTTGTTATCCAGGATGGTCTCGATCTCCTGAACAATCATGAGTACTCTT, p.Glu2863delinsPhePhePhePhePhePheXaaXaaXaaXaaArgProProProArgProAlaAsnPheLeuTyrPheTer (NM_004009.3); c.8229_8230insTTTTTTTTTTTTTTTTTTTTNNNNNNNNNNCGCCCGCCACCGCGCCCGGCTAATTTTTTGTATTTTTAGTAGAGACGGGGTTTCACCTTGTTATCCAGGATGGTCTCGATCTCCTGAACAATCATGAGTACTCTT, p.Glu2744delinsPhePhePhePhePhePheXaaXaaXaaXaaArgProProProArgProAlaAsnPheLeuTyrPheTer (NM_004010.3); c.4575_4576insTTTTTTTTTTTTTTTTTTTTNNNNNNNNNNCGCCCGCCACCGCGCCCGGCTAATTTTTTGTATTTTTAGTAGAGACGGGGTTTCACCTTGTTATCCAGGATGGTCTCGATCTCCTGAACAATCATGAGTACTCTT, p.Glu1526delinsPhePhePhePhePhePheXaaXaaXaaXaaArgProProProArgProAlaAsnPheLeuTyrPheTer (NM_004011.4); c.4566_4567insTTTTTTTTTTTTTTTTTTTTNNNNNNNNNNCGCCCGCCACCGCGCCCGGCTAATTTTTTGTATTTTTAGTAGAGACGGGGTTTCACCTTGTTATCCAGGATGGTCTCGATCTCCTGAACAATCATGAGTACTCTT, p.Glu1523delinsPhePhePhePhePhePheXaaXaaXaaXaaArgProProProArgProAlaAsnPheLeuTyrPheTer (NM_004012.4); c.1218_1219insTTTTTTTTTTTTTTTTTTTTNNNNNNNNNNCGCCCGCCACCGCGCCCGGCTAATTTTTTGTATTTTTAGTAGAGACGGGGTTTCACCTTGTTATCCAGGATGGTCTCGATCTCCTGAACAATCATGAGTACTCTT, p.Glu407delinsPhePhePhePhePhePheXaaXaaXaaXaaArgProProProArgProAlaAsnPheLeuTyrPheTer (NM_004013.3, NM_004020.4, NM_004021.3 and 2 more transcripts); c.411_412insTTTTTTTTTTTTTTTTTTTTNNNNNNNNNNCGCCCGCCACCGCGCCCGGCTAATTTTTTGTATTTTTAGTAGAGACGGGGTTTCACCTTGTTATCCAGGATGGTCTCGATCTCCTGAACAATCATGAGTACTCTT, p.Glu138delinsPhePhePhePhePhePheXaaXaaXaaXaaArgProProProArgProAlaAsnPheLeuTyrPheTer (NM_004014.3).
Identifiers: ClinVar variation 1451681 (VCV001451681.6), dbSNP rs2149257310.

ClinVar aggregate classification (germline): Pathogenic (1 of 4 stars; one submission).

Conditions:
Duchenne muscular dystrophy (DMD). Also called: Duchenne Muscular Dystrophy (DMD); MUSCULAR DYSTROPHY, PSEUDOHYPERTROPHIC PROGRESSIVE, DUCHENNE TYPE. Identifiers: Orphanet 98896, MedGen C0013264, MONDO:0010679, OMIM 310200.

Submission:

Labcorp Genetics (formerly Invitae), Labcorp
Classification: Pathogenic for Duchenne muscular dystrophy. Last evaluated: 2021-03-24. Review status: criteria provided, single submitter. Criteria: Invitae Variant Classification Sherloc (09022015). Collection method: clinical testing. Allele origin: germline.
Comment: For these reasons, this variant has been classified as Pathogenic. Retrotransposon insertions including LINE1 (L1), Alu, and SVA (SINE-VNTR-Alu) have been reported to be disease-causing through disruption of either a coding region or splice site (PMID: 19763152, 20307669, 22406018) and loss-of-function variants in DMD are known to be pathogenic (PMID: 16770791, 25007885). Algorithms developed to predict the effect of sequence changes on RNA splicing suggest that this variant may create or strengthen a splice site, but this prediction has not been confirmed by published transcriptional studies. This variant has not been reported in the literature in individuals with DMD-related conditions. This variant is not present in population databases (ExAC no frequency). This sequence change inserts a large fragment of DNA, likely a transposable element, in exon 58 of the DMD gene (c.8598_8599ins?), causing a frameshift at codon 2866 (p.Leu2866fs). The exact size and sequence of the insertion cannot be determined by the current assay. However, the insertion is expected to result in an absent or disrupted protein product.

Literature cited by the submitters: PubMed 19763152; PubMed 20307669; PubMed 22406018; PubMed 16770791; PubMed 25007885.